The following is an entry in ClinVar:

ClinVar aggregate classification (germline): Likely benign (1 of 4 stars; one submission).

Allele frequency attached by ClinVar (database versions not stated): 1000 Genomes Project 0.00180; 1000 Genomes Project 30x 0.00250; ESP Exome Variant Server 0.00619.
gnomAD v4.1: 11,741 of 1,613,594 alleles (0.73%); highest among the groups gnomAD compares: Middle Eastern, 1.3%; 55 homozygotes.

Submission:

CeGaT Center for Human Genetics Tuebingen
Classification: Likely benign. Last evaluated: 2026-09-01. Review status: criteria provided, single submitter. Criteria: CeGaT Center For Human Genetics Tuebingen Variant Classification Criteria Version 2. Collection method: clinical testing. Allele origin: germline. Affected: yes. Observed: 30 variant alleles.
Comment: SYCE2: BP4, BP7, BS2

NM_001105578.2(SYCE2):c.555C>G (p.Pro185=)

Genes: SYCE2 (synaptonemal complex central element protein 2; minus strand), LOC126862860 (BRD4-independent group 4 enhancer GRCh37_chr19:13010146-13011345; plus strand). Cytogenetic location: 19p13.13.
Variant type: single nucleotide variant.
Coding change: c.555C>G on transcript NM_001105578.2 (MANE Select); coding-DNA position 555, C replaced by G.
Protein change: p.Pro185=; no amino-acid change (proline 185 retained).
Molecular consequence: synonymous variant.
Genome position (GRCh38, 1-based): chr19:12,900,061, G>C on the plus strand (C>G on the coding strand, the complement: SYCE2 is on the minus strand). VCF-style: chr19-12900061-G-C. GRCh37 (hg19) VCF-style: chr19-13010875-G-C.
Identifiers: ClinVar variation 3024748 (VCV003024748.22), dbSNP rs145442966, ClinGen allele CA9234759.